The following is an entry in ClinVar:

NM_024537.4(CARS2):c.466-2A>G

Gene: CARS2 (cysteinyl-tRNA synthetase 2, mitochondrial; minus strand). Cytogenetic location: 13q34.
Variant type: single nucleotide variant.
Coding change: c.466-2A>G on transcript NM_024537.4 (MANE Select); the canonical splice acceptor site of the intron before coding-DNA position 466, A replaced by G.
Molecular consequence: splice acceptor variant.
Genome position (GRCh38, 1-based): chr13:110,687,828, T>C on the plus strand (A>G on the coding strand, the complement: CARS2 is on the minus strand). VCF-style: chr13-110687828-T-C. GRCh37 (hg19) VCF-style: chr13-111340175-T-C.
Other names: c.-534-2A>G (NM_001352252.2); c.466-2A>G (NM_001352253.3).
Identifiers: ClinVar variation 4849456 (VCV004849456.1).

ClinVar aggregate classification (germline): Likely pathogenic (1 of 4 stars; one submission).

Conditions:
Combined oxidative phosphorylation defect type 27. Also called: Combined oxidative phosphorylation deficiency 27. Identifiers: Orphanet 477774, MedGen C5567608, MONDO:0014728, OMIM 616672.

Submission:

First Genomix Gene Laboratory, Genetic Diagnostics Department
Classification: Likely pathogenic for Combined oxidative phosphorylation defect type 27. Last evaluated: 2025-06-25. Review status: criteria provided, single submitter. Criteria: ACMG Guidelines, 2015. Collection method: clinical testing. Allele origin: germline. Inheritance: Autosomal recessive inheritance. Affected: no.